The following is an entry in ClinVar:

NM_005901.6(SMAD2):c.1318C>T (p.Leu440Phe)

Gene: SMAD2 (SMAD family member 2; minus strand). Cytogenetic location: 18q21.1.
Variant type: single nucleotide variant.
Coding change: c.1318C>T on transcript NM_005901.6 (MANE Select); coding-DNA position 1318, C replaced by T.
Protein change: p.Leu440Phe; replaces leucine 440 with phenylalanine.
Molecular consequence: missense variant.
Genome position (GRCh38, 1-based): chr18:47,841,913, G>A on the plus strand (C>T on the coding strand, the complement: SMAD2 is on the minus strand). VCF-style: chr18-47841913-G-A. GRCh37 (hg19) VCF-style: chr18-45368284-G-A.
Other names: c.1318C>T, p.Leu440Phe (NM_001003652.4); c.1228C>T, p.Leu410Phe (NM_001135937.3); c.1318C>T (NM_005901.5); short protein forms L410F, L440F.
Identifiers: ClinVar variation 2845192 (VCV002845192.5), dbSNP rs2144276785, ClinGen allele CA402502669.
Genomic context (GRCh38, chr18:47,841,913, plus strand): 5'-AAGGGGATCCCATCTGAGTTAATACTTTGTCCAACCACTGTAGAGGTCCATTCAGATGAA[G>A]TTCAATCCAGCAAGGAGTACTTGTTACCGTCTGCCTTCTGTTTAAAAGAATACAGGAAAA-3'
Protein context (NP_005892.1, residues 430-450): TVTSTPCWIE[Leu440Phe]HLNGPLQWLD

ClinVar aggregate classification (germline): Uncertain significance. Review status: criteria provided, multiple submitters, no conflicts (2 of 4 stars). 2 submissions from 2 submitters: Uncertain significance (2). Last evaluated 2025-09-29.

Submissions (2):

GeneDx
Classification: Uncertain significance. Last evaluated: 2025-09-29. Review status: criteria provided, single submitter. Criteria: GeneDx Variant Classification Process June 2021. Collection method: clinical testing. Allele origin: germline.
Comment: Not observed at significant frequency in large population cohorts (gnomAD); In silico analysis supports that this missense variant has a deleterious effect on protein structure/function; Has not been previously published as pathogenic or benign to our knowledge

Labcorp Genetics (formerly Invitae), Labcorp
Classification: Uncertain significance. Last evaluated: 2023-04-07. Review status: criteria provided, single submitter. Criteria: Invitae Variant Classification Sherloc (09022015). Collection method: clinical testing. Allele origin: germline.
Comment: This sequence change replaces leucine, which is neutral and non-polar, with phenylalanine, which is neutral and non-polar, at codon 440 of the SMAD2 protein (p.Leu440Phe). This variant is not present in population databases (gnomAD no frequency). This variant has not been reported in the literature in individuals affected with SMAD2-related conditions. Advanced modeling of protein sequence and biophysical properties (such as structural, functional, and spatial information, amino acid conservation, physicochemical variation, residue mobility, and thermodynamic stability) performed at Invitae indicates that this missense variant is expected to disrupt SMAD2 protein function. In summary, the available evidence is currently insufficient to determine the role of this variant in disease. Therefore, it has been classified as a Variant of Uncertain Significance.